The following is an entry in ClinVar:

ClinVar aggregate classification (germline): Benign/Likely benign. Review status: criteria provided, multiple submitters, no conflicts (2 of 4 stars). 6 submissions from 6 submitters: Benign (2); Likely benign (2). 2 of the submissions do not count toward it. Last evaluated 2026-07-01.

Conditions:
Spinocerebellar ataxia type 13 (SCA13). Also called: Spinocerebellar Ataxia Type13. Identifiers: Orphanet 98768, MedGen C1854488, MONDO:0011529, OMIM 605259.

Allele frequency attached by ClinVar (database versions not stated): 1000 Genomes Project 0.00040; 1000 Genomes Project 30x 0.00047; ESP Exome Variant Server 0.00082; gnomAD 0.00100 and 0.00104; TOPMed 0.00108; ExAC 0.00283.
gnomAD v4.1: 2,080 of 1,584,580 alleles (0.13%); highest among the groups gnomAD compares: Non-Finnish European, 0.16%; no homozygotes.

Submissions (6):

CeGaT Center for Human Genetics Tuebingen
Classification: Likely benign. Last evaluated: 2026-07-01. Review status: criteria provided, single submitter. Criteria: CeGaT Center For Human Genetics Tuebingen Variant Classification Criteria Version 2. Collection method: clinical testing. Allele origin: germline. Affected: yes. Observed: 7 variant alleles.
Comment: KCNC3: BP4, BP7, BS1

Labcorp Genetics (formerly Invitae), Labcorp
Classification: Benign. Last evaluated: 2025-08-11. Review status: criteria provided, single submitter. Criteria: Invitae Variant Classification Sherloc (09022015). Collection method: clinical testing. Allele origin: germline.

Blueprint Genetics
Classification: Likely benign. Last evaluated: 2024-11-12. Review status: criteria provided, single submitter. Criteria: ACMG Guidelines, 2015. Collection method: clinical testing. Allele origin: germline.

Athena Diagnostics
Classification: Benign. Last evaluated: 2016-08-15. Review status: criteria provided, single submitter. Criteria: Athena Diagnostics Criteria. Collection method: clinical testing. Allele origin: germline.

Clinical Genetics DNA and cytogenetics Diagnostics Lab, Erasmus MC, Erasmus Medical Center
Classification: Likely benign. Review status: no assertion criteria provided. Collection method: clinical testing. Allele origin: germline. Affected: yes. Study: VKGL Data-share Consensus. Not counted in ClinVar's aggregate classification.

Diagnostic Laboratory, Department of Genetics, University Medical Center Groningen
Classification: Likely benign for Spinocerebellar ataxia type 13. Review status: no assertion criteria provided. Collection method: clinical testing. Allele origin: germline. Affected: yes. Study: VKGL Data-share Consensus. Not counted in ClinVar's aggregate classification.

NM_004977.3(KCNC3):c.315G>C (p.Thr105=)

Gene: KCNC3 (potassium voltage-gated channel subfamily C member 3; minus strand). Cytogenetic location: 19q13.33.
Variant type: single nucleotide variant.
Coding change: c.315G>C on transcript NM_004977.3 (MANE Select); coding-DNA position 315, G replaced by C.
Protein change: p.Thr105=; no amino-acid change (threonine 105 retained).
Molecular consequence: synonymous variant.
Genome position (GRCh38, 1-based): chr19:50,328,768, C>G on the plus strand (G>C on the coding strand, the complement: KCNC3 is on the minus strand). VCF-style: chr19-50328768-C-G. GRCh37 (hg19) VCF-style: chr19-50832025-C-G.
Other names: c.87G>C, p.Thr29= (NM_001372305.1).
Identifiers: ClinVar variation 447624 (VCV000447624.37), dbSNP rs368049323, ClinGen allele CA9594395.
Genomic context (GRCh38, chr19:50,328,768, plus strand): 5'-GCGTGCCGCCGCCTCGGGCTCCGTCAGGCCGGCCAGCCGCGTCCCCGGCAGGGTGCGCAG[C>G]GTCGAGCGGTACGTCTCATGGCGCACGCCGCCCACGTTGATCACGATCTTGCCGCTGTCG-3'
Protein context (NP_004968.2, residues 95-115): GGVRHETYRS[Thr105=]LRTLPGTRLA